The following is an entry in ClinVar:

NM_002658.6(PLAU):c.265C>G (p.Arg89Gly)

Genes: C10orf55 (chromosome 10 putative open reading frame 55; minus strand), PLAU (plasminogen activator, urokinase; plus strand). Cytogenetic location: 10q22.2.
Variant type: single nucleotide variant.
Coding change: c.265C>G on transcript NM_002658.6 (MANE Select); coding-DNA position 265, C replaced by G.
Protein change: p.Arg89Gly; replaces arginine 89 with glycine.
Molecular consequence: missense variant. On other transcripts: non-coding transcript variant (1).
Genome position (GRCh38, 1-based): chr10:73,912,995, C>G. VCF-style: chr10-73912995-C-G. GRCh37 (hg19) VCF-style: chr10-75672753-C-G.
Other names: p.Arg89Gly; c.214C>G, p.Arg72Gly (NM_001145031.3); c.7C>G, p.Arg3Gly (NM_001319191.2); short protein forms R3G, R72G, R89G.
Identifiers: ClinVar variation 3379974 (VCV003379974.1).
Genomic context (GRCh38, chr10:73,912,995, plus strand): 5'-ACCTGCTATGAGGGGAATGGTCACTTTTACCGAGGAAAGGCCAGCACTGACACCATGGGC[C>G]GGCCCTGCCTGCCCTGGAACTCTGCCACTGTCCTTCAGCAAACGTACCATGCCCACAGAT-3'
Protein context (NP_002649.2, residues 79-99): RGKASTDTMG[Arg89Gly]PCLPWNSATV

ClinVar aggregate classification (germline): Uncertain significance (1 of 4 stars; one submission).

Submission:

Mayo Clinic Laboratories, Mayo Clinic
Classification: Uncertain significance. Last evaluated: 2024-02-07. Review status: criteria provided, single submitter. Criteria: ACMG Guidelines, 2015. Collection method: clinical testing. Allele origin: germline. Observed: 2 variant alleles.
Comment: PM1_supporting, PM2_moderate